The following is an entry in ClinVar:

ClinVar aggregate classification (germline): Uncertain significance (1 of 4 stars; one submission).

Conditions:
Familial cold autoinflammatory syndrome 3 (FCAS3). Also called: ANTIBODY DEFICIENCY AND IMMUNE DYSREGULATION, PLCG2-ASSOCIATED; FAMILIAL ATYPICAL COLD URTICARIA. Identifiers: Orphanet 300359, MedGen C3280914, MONDO:0013766, OMIM 614468.

Submission:

Labcorp Genetics (formerly Invitae), Labcorp
Classification: Uncertain significance for Familial cold autoinflammatory syndrome 3. Last evaluated: 2025-02-17. Review status: criteria provided, single submitter. Criteria: Invitae Variant Classification Sherloc (09022015). Collection method: clinical testing. Allele origin: germline.
Comment: This sequence change replaces threonine, which is neutral and polar, with isoleucine, which is neutral and non-polar, at codon 773 of the PLCG2 protein (p.Thr773Ile). This variant is not present in population databases (gnomAD no frequency). This variant has not been reported in the literature in individuals affected with PLCG2-related conditions. ClinVar contains an entry for this variant (Variation ID: 1721290). An algorithm developed to predict the effect of missense changes on protein structure and function (PolyPhen-2) suggests that this variant is likely to be disruptive. In summary, the available evidence is currently insufficient to determine the role of this variant in disease. Therefore, it has been classified as a Variant of Uncertain Significance.

NM_002661.5(PLCG2):c.2318C>T (p.Thr773Ile)

Gene: PLCG2 (phospholipase C gamma 2; plus strand). Cytogenetic location: 16q23.3.
Variant type: single nucleotide variant.
Coding change: c.2318C>T on transcript NM_002661.5 (MANE Select); coding-DNA position 2318, C replaced by T.
Protein change: p.Thr773Ile; replaces threonine 773 with isoleucine.
Molecular consequence: missense variant.
Genome position (GRCh38, 1-based): chr16:81,923,495, C>T. VCF-style: chr16-81923495-C-T. GRCh37 (hg19) VCF-style: chr16-81957100-C-T.
Other names: short protein forms T773I.
Identifiers: ClinVar variation 1721290 (VCV001721290.5), dbSNP rs1409649312, ClinGen allele CA396902400.
Genomic context (GRCh38, chr16:81,923,495, plus strand): 5'-CTCCCCTCCTGTCCCTGGCCTGACCTTTTCCTTCTTGTTTTCCCTGAAAGCCTCAGAGAA[C>T]CGTGAAAGCTCTGTATGACTACAAAGCCAAGCGAAGCGATGAGCTGAGCTTCTGCCGTGG-3'
Protein context (NP_002652.2, residues 763-783): SEINPSMPQR[Thr773Ile]VKALYDYKAK